The following is an entry in ClinVar:

ClinVar aggregate classification (germline): Uncertain significance (1 of 4 stars; one submission).

Conditions:
Hereditary spastic paraplegia 11. Also called: Spastic paraplegia, mental retardation and thin corpus callosum; SPASTIC PARAPLEGIA, AUTOSOMAL RECESSIVE, COMPLICATED, WITH THIN CORPUS CALLOSUM; SPASTIC PARAPLEGIA, AUTOSOMAL RECESSIVE, WITH MENTAL IMPAIRMENT AND THIN CORPUS CALLOSUM; Spastic Paraplegia 11; Nakamura Osame syndrome; Autosomal recessive hereditary spastic paraplegia, mental impairment, and thin corpus callosum. Identifiers: Orphanet 2822, MedGen C1858479, MONDO:0011445, OMIM 604360.

Allele frequency attached by ClinVar (database versions not stated): gnomAD exomes below 0.00001; TOPMed below 0.00001.
gnomAD v4.1: 1 of 1,589,856 alleles (0.000063%); highest among the groups gnomAD compares: Non-Finnish European, 0.000086%; no homozygotes.

Submission:

Labcorp Genetics (formerly Invitae), Labcorp
Classification: Uncertain significance for Hereditary spastic paraplegia 11. Last evaluated: 2022-03-28. Review status: criteria provided, single submitter. Criteria: Invitae Variant Classification Sherloc (09022015). Collection method: clinical testing. Allele origin: germline.
Comment: This variant is not present in population databases (gnomAD no frequency). This variant has not been reported in the literature in individuals affected with SPG11-related conditions. Algorithms developed to predict the effect of missense changes on protein structure and function output the following: SIFT: "Tolerated"; PolyPhen-2: "Possibly Damaging"; Align-GVGD: "Class C0". The isoleucine amino acid residue is found in multiple mammalian species, which suggests that this missense change does not adversely affect protein function. In summary, the available evidence is currently insufficient to determine the role of this variant in disease. Therefore, it has been classified as a Variant of Uncertain Significance. This sequence change replaces valine, which is neutral and non-polar, with isoleucine, which is neutral and non-polar, at codon 1704 of the SPG11 protein (p.Val1704Ile).

NM_025137.4(SPG11):c.5110G>A (p.Val1704Ile)

Gene: SPG11 (SPG11 vesicle trafficking associated, spatacsin; minus strand). Cytogenetic location: 15q21.1.
Variant type: single nucleotide variant.
Coding change: c.5110G>A on transcript NM_025137.4 (MANE Select); coding-DNA position 5110, G replaced by A.
Protein change: p.Val1704Ile; replaces valine 1704 with isoleucine.
Molecular consequence: missense variant.
Genome position (GRCh38, 1-based): chr15:44,585,647, C>T on the plus strand (G>A on the coding strand, the complement: SPG11 is on the minus strand). VCF-style: chr15-44585647-C-T. GRCh37 (hg19) VCF-style: chr15-44877845-C-T.
Other names: c.5110G>A, p.Val1704Ile (NM_001160227.2); short protein forms V1704I.
Identifiers: ClinVar variation 1513114 (VCV001513114.8), dbSNP rs931856984, ClinGen allele CA270081625.
Genomic context (GRCh38, chr15:44,585,647, plus strand): 5'-GCAAGACCCCGTATCTAAAAAAAAAAAAAAAAAAAAAGACCGATGATACCTCTTTAATAA[C>T]CAAGTTGTCCACAGGTAACTCAGCTAATTCTGCTACCCTCCTGGCCAAAGCGAATTGTCC-3'
Protein context (NP_079413.3, residues 1694-1714): ELAELPVDNL[Val1704Ile]IKEITQEMQT